The following is an entry in ClinVar:

NM_005120.3(MED12):c.4291C>G (p.Leu1431Val)

Gene: MED12 (mediator complex subunit 12; plus strand). Cytogenetic location: Xq13.1.
Variant type: single nucleotide variant.
Coding change: c.4291C>G on transcript NM_005120.3 (MANE Select); coding-DNA position 4291, C replaced by G.
Protein change: p.Leu1431Val; replaces leucine 1431 with valine.
Molecular consequence: missense variant.
Genome position (GRCh38, 1-based): chrX:71,132,414, C>G. VCF-style: chrX-71132414-C-G. GRCh37 (hg19) VCF-style: chrX-70352264-C-G.
Other names: short protein forms L1431V.
Identifiers: ClinVar variation 3634968 (VCV003634968.2).

ClinVar aggregate classification (germline): Uncertain significance (1 of 4 stars; one submission).

Conditions:
FG syndrome (FGS). Identifiers: MedGen C0220769, MONDO:0002010.

Submission:

Labcorp Genetics (formerly Invitae), Labcorp
Classification: Uncertain significance for FG syndrome. Last evaluated: 2024-12-03. Review status: criteria provided, single submitter. Criteria: Invitae Variant Classification Sherloc (09022015). Collection method: clinical testing. Allele origin: germline.
Comment: This sequence change replaces leucine, which is neutral and non-polar, with valine, which is neutral and non-polar, at codon 1431 of the MED12 protein (p.Leu1431Val). This variant is not present in population databases (gnomAD no frequency). This variant has not been reported in the literature in individuals affected with MED12-related conditions. Invitae Evidence Modeling of protein sequence and biophysical properties (such as structural, functional, and spatial information, amino acid conservation, physicochemical variation, residue mobility, and thermodynamic stability) indicates that this missense variant is expected to disrupt MED12 protein function with a positive predictive value of 95%. In summary, the available evidence is currently insufficient to determine the role of this variant in disease. Therefore, it has been classified as a Variant of Uncertain Significance.